The following is an entry in ClinVar:

NM_000441.2(SLC26A4):c.25G>T (p.Glu9Ter)

Genes: SLC26A4 (solute carrier family 26 member 4; plus strand), SLC26A4-AS1 (SLC26A4 antisense RNA 1; minus strand). Cytogenetic location: 7q22.3.
Variant type: single nucleotide variant.
Coding change: c.25G>T on transcript NM_000441.2 (MANE Select); coding-DNA position 25, G replaced by T.
Protein change: p.Glu9Ter; replaces glutamic acid 9 with a stop codon.
Molecular consequence: nonsense. On other transcripts: non-coding transcript variant (1).
Genome position (GRCh38, 1-based): chr7:107,661,666, G>T. VCF-style: chr7-107661666-G-T. GRCh37 (hg19) VCF-style: chr7-107302111-G-T.
Other names: short protein forms E9*.
Identifiers: ClinVar variation 1073256 (VCV001073256.8), dbSNP rs758648839, ClinGen allele CA368844722.
Genomic context (GRCh38, chr7:107,661,666, plus strand): 5'-TGTCCTCCCTCCTCGCTGTCCTCTGGCTCGCAGGTCATGGCAGCGCCAGGCGGCAGGTCG[G>T]AGCCGCCGCAGCTCCCCGAGTACAGCTGCAGCTACATGGTGTCGCGGCCGGTCTACAGCG-3'

ClinVar aggregate classification (germline): Pathogenic/Likely pathogenic. Review status: criteria provided, multiple submitters, no conflicts (2 of 4 stars). 2 submissions from 2 submitters: Pathogenic (1); Likely pathogenic (1). Last evaluated 2023-11-09.

Conditions:
Autosomal recessive nonsyndromic hearing loss 4 (DFNB4). Also called: Deafness, autosomal recessive 4, with enlarged vestibular aqueduct; FOXI1-Related Pendred Syndrome; KCNJ10-Related Pendred Syndrome; DEAFNESS, AUTOSOMAL RECESSIVE 4, WITH ENLARGED VESTIBULAR AQUEDUCT, DIGENIC; Deafness, autosomal recessive 4; Enlarged vestibular aqueduct, digenic. Identifiers: Orphanet 90636, MedGen C3538946, MONDO:0010933, OMIM 600791.

Submissions (2):

Baylor Genetics
Classification: Likely pathogenic for Autosomal recessive nonsyndromic hearing loss 4. Last evaluated: 2023-11-09. Review status: criteria provided, single submitter. Criteria: ACMG Guidelines, 2015. Collection method: clinical testing. Allele origin: unknown.

Labcorp Genetics (formerly Invitae), Labcorp
Classification: Pathogenic. Last evaluated: 2020-05-11. Review status: criteria provided, single submitter. Criteria: Invitae Variant Classification Sherloc (09022015). Collection method: clinical testing. Allele origin: germline.
Comment: For these reasons, this variant has been classified as Pathogenic. Loss-of-function variants in SLC26A4 are known to be pathogenic (PMID: 16283880, 25394566, 26252218, 26445815). This variant has not been reported in the literature in individuals with SLC26A4-related conditions. The frequency data for this variant in the population databases is considered unreliable, as metrics indicate insufficient coverage at this position in the ExAC database. This sequence change creates a premature translational stop signal (p.Glu9*) in the SLC26A4 gene. It is expected to result in an absent or disrupted protein product.

Literature cited by the submitters: PubMed 16283880 (cited by Labcorp Genetics (formerly Invitae), Labcorp); PubMed 25394566 (cited by Labcorp Genetics (formerly Invitae), Labcorp); PubMed 26252218 (cited by Labcorp Genetics (formerly Invitae), Labcorp); PubMed 26445815 (cited by Labcorp Genetics (formerly Invitae), Labcorp).